The following is an entry in ClinVar:

ClinVar aggregate classification (germline): Uncertain significance (1 of 4 stars; one submission).

Conditions:
Dilated Cardiomyopathy, Dominant.
Hypertrophic cardiomyopathy 26. Also called: Cardiomyopathy, familial hypertrophic, 26. Identifiers: Orphanet 75249, MedGen C4310749, MONDO:0014883, OMIM 617047.
Distal myopathy with posterior leg and anterior hand involvement. Also called: WILLIAMS DISTAL MYOPATHY. Identifiers: Orphanet 63273, MedGen C3279722, MONDO:0013550, OMIM 614065.
Myofibrillar myopathy 5. Also called: FILAMINOPATHY, AUTOSOMAL DOMINANT; Filaminopathy (type). Identifiers: Orphanet 171445, MedGen C1836050, MONDO:0012289, OMIM 609524.

Allele frequency attached by ClinVar (database versions not stated): gnomAD exomes below 0.00001.
gnomAD v4.1: 2 of 1,599,622 alleles (0.00013%); highest among the groups gnomAD compares: Non-Finnish European, 0.00017%; no homozygotes.

Submission:

Labcorp Genetics (formerly Invitae), Labcorp
Classification: Uncertain significance for Distal myopathy with posterior leg and anterior hand involvement; Myofibrillar myopathy 5; Hypertrophic cardiomyopathy 26. Last evaluated: 2020-10-27. Review status: criteria provided, single submitter. Criteria: Invitae Variant Classification Sherloc (09022015). Collection method: clinical testing. Allele origin: germline.
Comment: In summary, the available evidence is currently insufficient to determine the role of this variant in disease. Therefore, it has been classified as a Variant of Uncertain Significance. Algorithms developed to predict the effect of missense changes on protein structure and function are either unavailable or do not agree on the potential impact of this missense change (SIFT: "Deleterious"; PolyPhen-2: "Probably Damaging"; Align-GVGD: "Class C0"). This variant has not been reported in the literature in individuals with FLNC-related conditions. This variant is not present in population databases (ExAC no frequency). This sequence change replaces valine with glycine at codon 312 of the FLNC protein (p.Val312Gly). The valine residue is highly conserved and there is a moderate physicochemical difference between valine and glycine.

NM_001458.5(FLNC):c.935T>G (p.Val312Gly)

Gene: FLNC (filamin C; plus strand). Cytogenetic location: 7q32.1.
Variant type: single nucleotide variant.
Coding change: c.935T>G on transcript NM_001458.5 (MANE Select); coding-DNA position 935, T replaced by G.
Protein change: p.Val312Gly; replaces valine 312 with glycine.
Molecular consequence: missense variant.
Genome position (GRCh38, 1-based): chr7:128,837,721, T>G. VCF-style: chr7-128837721-T-G. GRCh37 (hg19) VCF-style: chr7-128477775-T-G.
Other names: c.935T>G, p.Val312Gly (NM_001127487.2); short protein forms V312G.
Identifiers: ClinVar variation 1014069 (VCV001014069.7), dbSNP rs1808156535, ClinGen allele CA369223170.